The following is an entry in ClinVar:

ClinVar aggregate classification (germline): Likely benign. Review status: criteria provided, multiple submitters, no conflicts (2 of 4 stars). 4 submissions from 4 submitters: Likely benign (4). Last evaluated 2025-12-08.

Conditions:
SETBP1-related disorder. Also called: SETBP1-related condition; SETBP1-related disorders.

Allele frequency attached by ClinVar (database versions not stated): TOPMed 0.00005; gnomAD 0.00007 and 0.00008; gnomAD exomes 0.00010; ExAC 0.00012.
gnomAD v4.1: 123 of 1,614,024 alleles (0.0076%); highest among the groups gnomAD compares: South Asian, 0.087%; 3 homozygotes.

Submissions (4):

Labcorp Genetics (formerly Invitae), Labcorp
Classification: Likely benign. Last evaluated: 2025-12-08. Review status: criteria provided, single submitter. Criteria: Invitae Variant Classification Sherloc (09022015). Collection method: clinical testing. Allele origin: germline.

PreventionGenetics, part of Exact Sciences
Classification: Likely benign for SETBP1-related condition. Last evaluated: 2024-10-02. Review status: criteria provided, single submitter. Criteria: ACMG Guidelines, 2015. Collection method: clinical testing. Allele origin: germline.
Comment: This variant is classified as likely benign based on ACMG/AMP sequence variant interpretation guidelines (Richards et al. 2015 PMID: 25741868, with internal and published modifications).

CeGaT Center for Human Genetics Tuebingen
Classification: Likely benign. Last evaluated: 2023-06-01. Review status: criteria provided, single submitter. Criteria: CeGaT Center For Human Genetics Tuebingen Variant Classification Criteria Version 2. Collection method: clinical testing. Allele origin: germline. Affected: yes. Observed: 2 variant alleles.
Comment: SETBP1: BS2

GeneDx
Classification: Likely benign. Last evaluated: 2021-04-26. Review status: criteria provided, single submitter. Criteria: GeneDx Variant Classification Process June 2021. Collection method: clinical testing. Allele origin: germline. Affected: yes.

NM_015559.3(SETBP1):c.3562G>A (p.Glu1188Lys)

Gene: SETBP1 (SET binding protein 1; plus strand). Cytogenetic location: 18q12.3.
Variant type: single nucleotide variant.
Coding change: c.3562G>A on transcript NM_015559.3 (MANE Select); coding-DNA position 3562, G replaced by A.
Protein change: p.Glu1188Lys; replaces glutamic acid 1188 with lysine.
Molecular consequence: missense variant.
Genome position (GRCh38, 1-based): chr18:44,952,902, G>A. VCF-style: chr18-44952902-G-A. GRCh37 (hg19) VCF-style: chr18-42532867-G-A.
Other names: c.3562G>A, p.Glu1188Lys (NM_001379141.1, NM_001379142.1); short protein forms E1188K.
Identifiers: ClinVar variation 1338907 (VCV001338907.32), dbSNP rs763274923, ClinGen allele CA8945930.
Genomic context (GRCh38, chr18:44,952,902, plus strand): 5'-GACAACCTGAGTGGTCTTTTTGCAGGCAAAGCCACAGGCTTCTCCAGCCACATCCTGAGC[G>A]AGCGGCTGAGTAGCGCAGACAAAGAGCTCCCGCTGGTGAGTGAGAAGAACAAGCATAAGG-3'
Protein context (NP_056374.2, residues 1178-1198): ATGFSSHILS[Glu1188Lys]RLSSADKELP